The following is an entry in ClinVar:

ClinVar aggregate classification (germline): Uncertain significance (1 of 4 stars; one submission).

Allele frequency attached by ClinVar (database versions not stated): gnomAD exomes below 0.00001; gnomAD 0.00001; TOPMed 0.00002.
gnomAD v4.1: 3 of 1,614,044 alleles (0.00019%); highest among the groups gnomAD compares: African/African-American, 0.004%; no homozygotes.

Submission:

Labcorp Genetics (formerly Invitae), Labcorp
Classification: Uncertain significance. Last evaluated: 2022-06-22. Review status: criteria provided, single submitter. Criteria: Invitae Variant Classification Sherloc (09022015). Collection method: clinical testing. Allele origin: germline.
Comment: Algorithms developed to predict the effect of missense changes on protein structure and function (SIFT, PolyPhen-2, Align-GVGD) all suggest that this variant is likely to be disruptive. This variant has not been reported in the literature in individuals affected with LOXL3-related conditions. The frequency data for this variant in the population databases is considered unreliable, as metrics indicate poor data quality at this position in the gnomAD database. This sequence change replaces isoleucine, which is neutral and non-polar, with threonine, which is neutral and polar, at codon 615 of the LOXL3 protein (p.Ile615Thr). In summary, the available evidence is currently insufficient to determine the role of this variant in disease. Therefore, it has been classified as a Variant of Uncertain Significance.

NM_032603.5(LOXL3):c.1844T>C (p.Ile615Thr)

Gene: LOXL3 (lysyl oxidase like 3; minus strand). Cytogenetic location: 2p13.1.
Variant type: single nucleotide variant.
Coding change: c.1844T>C on transcript NM_032603.5 (MANE Select); coding-DNA position 1844, T replaced by C.
Protein change: p.Ile615Thr; replaces isoleucine 615 with threonine.
Molecular consequence: missense variant.
Genome position (GRCh38, 1-based): chr2:74,534,411, A>G on the plus strand (T>C on the coding strand, the complement: LOXL3 is on the minus strand). VCF-style: chr2-74534411-A-G. GRCh37 (hg19) VCF-style: chr2-74761538-A-G.
Other names: c.1409T>C, p.Ile470Thr (NM_001289164.3); c.761T>C, p.Ile254Thr (NM_001289165.2); short protein forms I470T, I254T, I615T.
Identifiers: ClinVar variation 1912820 (VCV001912820.3), dbSNP rs904517258, ClinGen allele CA50490873.